The following is an entry in ClinVar:

NM_001367624.2(ZNF469):c.1279C>T (p.Leu427=)

Gene: ZNF469 (zinc finger protein 469; plus strand). Cytogenetic location: 16q24.2.
Variant type: single nucleotide variant.
Coding change: c.1279C>T on transcript NM_001367624.2 (MANE Select); coding-DNA position 1279, C replaced by T.
Protein change: p.Leu427=; no amino-acid change (leucine 427 retained).
Molecular consequence: synonymous variant.
Genome position (GRCh38, 1-based): chr16:88,428,749, C>T. VCF-style: chr16-88428749-C-T. GRCh37 (hg19) VCF-style: chr16-88495157-C-T.
Identifiers: ClinVar variation 3616358 (VCV003616358.3).

ClinVar aggregate classification (germline): Likely benign. Review status: criteria provided, multiple submitters, no conflicts (2 of 4 stars). 2 submissions from 2 submitters: Likely benign (2). Last evaluated 2025-06-05.

gnomAD v4.1: 2 of 1,546,182 alleles (0.00013%); highest among the groups gnomAD compares: Non-Finnish European, 0.00017%; no homozygotes.

Submissions (2):

Women's Health and Genetics/Laboratory Corporation of America, LabCorp
Classification: Likely benign. Last evaluated: 2025-06-05. Review status: criteria provided, single submitter. Criteria: LabCorp Variant Classification Summary - May 2015. Collection method: clinical testing. Allele origin: germline.
Comment: Variant summary: ZNF469 c.1279C>T results in a synonymous change. Consensus agreement among computation tools predict no significant impact on normal splicing. However, these predictions have yet to be confirmed by functional studies. The variant was absent in 143460 control chromosomes (gnomAD). The available data on variant occurrences in the general population are insufficient to allow any conclusion about variant significance. To our knowledge, no occurrence of c.1279C>T in individuals affected with Brittle cornea syndrome 1 and no experimental evidence demonstrating its impact on protein function have been reported. ClinVar contains an entry for this variant (Variation ID: 3616358). Based on the evidence outlined above, the variant was classified as likely benign.

Labcorp Genetics (formerly Invitae), Labcorp
Classification: Likely benign. Last evaluated: 2024-03-03. Review status: criteria provided, single submitter. Criteria: Invitae Variant Classification Sherloc (09022015). Collection method: clinical testing. Allele origin: germline.